The following is an entry in ClinVar:

NM_000179.3(MSH6):c.319C>G (p.Pro107Ala)

Gene: MSH6 (mutS homolog 6; plus strand). Cytogenetic location: 2p16.3.
Variant type: single nucleotide variant.
Coding change: c.319C>G on transcript NM_000179.3 (MANE Select); coding-DNA position 319, C replaced by G.
Protein change: p.Pro107Ala; replaces proline 107 with alanine.
Molecular consequence: missense variant. On other transcripts: 5 prime UTR variant (7), non-coding transcript variant (5), intron variant (6).
Genome position (GRCh38, 1-based): chr2:47,790,985, C>G. VCF-style: chr2-47790985-C-G. GRCh37 (hg19) VCF-style: chr2-48018124-C-G.
Other names: c.-418C>G (NM_001281493.2, NM_001406811.1, NM_001406823.1 and 1 more transcripts); c.-584C>G (NM_001281494.2); c.415C>G, p.Pro139Ala (NM_001406795.1, NM_001406802.1); c.319C>G, p.Pro107Ala (NM_001406796.1, NM_001406798.1, NM_001406800.1 and 6 more transcripts); c.22C>G, p.Pro8Ala (NM_001406797.1, NM_001406801.1, NM_001406805.1 and 10 more transcripts); c.241C>G, p.Pro81Ala (NM_001406804.1); c.-610C>G (NM_001406807.1); c.-676C>G (NM_001406814.1); and 6 more; short protein forms P107A, P139A, P8A, P51A, P81A.
Identifiers: ClinVar variation 2453154 (VCV002453154.5), dbSNP rs2104101843, ClinGen allele CA346736923.

ClinVar aggregate classification (germline): Uncertain significance. Review status: criteria provided, multiple submitters, no conflicts (2 of 4 stars). 2 submissions from 2 submitters: Uncertain significance (2). Last evaluated 2025-07-17.

Conditions:
Hereditary cancer-predisposing syndrome. Also called: Neoplastic Syndromes, Hereditary; Tumor predisposition; Hereditary neoplastic syndrome; Hereditary Cancer Syndrome. Identifiers: Orphanet 140162, MedGen C0027672, MeSH D009386, MONDO:0015356.
Hereditary nonpolyposis colorectal neoplasms. Identifiers: MedGen C0009405, MeSH D003123.

Submissions (2):

Labcorp Genetics (formerly Invitae), Labcorp
Classification: Uncertain significance for Hereditary nonpolyposis colorectal neoplasms. Last evaluated: 2025-07-17. Review status: criteria provided, single submitter. Criteria: Invitae Variant Classification Sherloc (09022015). Collection method: clinical testing. Allele origin: germline.
Comment: This sequence change replaces proline, which is neutral and non-polar, with alanine, which is neutral and non-polar, at codon 107 of the MSH6 protein (p.Pro107Ala). This variant is not present in population databases (gnomAD no frequency). This variant has not been reported in the literature in individuals affected with MSH6-related conditions. ClinVar contains an entry for this variant (Variation ID: 2453154). Invitae Evidence Modeling of protein sequence and biophysical properties (such as structural, functional, and spatial information, amino acid conservation, physicochemical variation, residue mobility, and thermodynamic stability) has been performed for this missense variant. However, the output from this modeling did not meet the statistical confidence thresholds required to predict the impact of this variant on MSH6 protein function. In summary, the available evidence is currently insufficient to determine the role of this variant in disease. Therefore, it has been classified as a Variant of Uncertain Significance.

Ambry Genetics
Classification: Uncertain significance for Hereditary cancer-predisposing syndrome. Last evaluated: 2022-11-18. Review status: criteria provided, single submitter. Criteria: Ambry Variant Classification Scheme 2023. Collection method: clinical testing. Allele origin: germline.
Comment: The p.P107A variant (also known as c.319C>G), located in coding exon 2 of the MSH6 gene, results from a C to G substitution at nucleotide position 319. The proline at codon 107 is replaced by alanine, an amino acid with highly similar properties. This amino acid position is highly conserved in available vertebrate species. In addition, this alteration is predicted to be deleterious by in silico analysis. Since supporting evidence is limited at this time, the clinical significance of this alteration remains unclear.